The following is an entry in ClinVar:

ClinVar aggregate classification (germline): Uncertain significance. Review status: criteria provided, multiple submitters, no conflicts (2 of 4 stars). 2 submissions from 2 submitters: Uncertain significance (2). Last evaluated 2025-07-07.

Conditions:
Hereditary cancer-predisposing syndrome. Also called: Hereditary Cancer Syndrome; Hereditary neoplastic syndrome; Neoplastic Syndromes, Hereditary; Tumor predisposition. Identifiers: Orphanet 140162, MedGen C0027672, MeSH D009386, MONDO:0015356.
Oligodontia-cancer predisposition syndrome. Also called: TOOTH AGENESIS-COLORECTAL CANCER SYNDROME. Identifiers: Orphanet 300576, MedGen C1837750, MONDO:0012075, OMIM 608615. Disease mechanism: loss of function.

Submissions (2):

Labcorp Genetics (formerly Invitae), Labcorp
Classification: Uncertain significance for Oligodontia-cancer predisposition syndrome. Last evaluated: 2025-07-07. Review status: criteria provided, single submitter. Criteria: Invitae Variant Classification Sherloc (09022015). Collection method: clinical testing. Allele origin: germline.
Comment: This sequence change replaces alanine, which is neutral and non-polar, with serine, which is neutral and polar, at codon 368 of the AXIN2 protein (p.Ala368Ser). This variant is not present in population databases (gnomAD no frequency). This variant has not been reported in the literature in individuals affected with AXIN2-related conditions. ClinVar contains an entry for this variant (Variation ID: 2998670). Invitae Evidence Modeling of protein sequence and biophysical properties (such as structural, functional, and spatial information, amino acid conservation, physicochemical variation, residue mobility, and thermodynamic stability) indicates that this missense variant is not expected to disrupt AXIN2 protein function with a negative predictive value of 80%. In summary, the available evidence is currently insufficient to determine the role of this variant in disease. Therefore, it has been classified as a Variant of Uncertain Significance.

Ambry Genetics
Classification: Uncertain significance for Hereditary cancer-predisposing syndrome. Last evaluated: 2024-06-14. Review status: criteria provided, single submitter. Criteria: Ambry Variant Classification Scheme 2023. Collection method: clinical testing. Allele origin: germline.
Comment: The p.A368S variant (also known as c.1102G>T), located in coding exon 4 of the AXIN2 gene, results from a G to T substitution at nucleotide position 1102. The alanine at codon 368 is replaced by serine, an amino acid with similar properties. This amino acid position is conserved. In addition, this alteration is predicted to be tolerated by in silico analysis. Based on the available evidence, the clinical significance of this variant remains unclear.

NM_004655.4(AXIN2):c.1102G>T (p.Ala368Ser)

Gene: AXIN2 (axin 2; minus strand). Cytogenetic location: 17q24.1.
Variant type: single nucleotide variant.
Coding change: c.1102G>T on transcript NM_004655.4 (MANE Select); coding-DNA position 1102, G replaced by T.
Protein change: p.Ala368Ser; replaces alanine 368 with serine.
Molecular consequence: missense variant.
Genome position (GRCh38, 1-based): chr17:65,538,301, C>A on the plus strand (G>T on the coding strand, the complement: AXIN2 is on the minus strand). VCF-style: chr17-65538301-C-A. GRCh37 (hg19) VCF-style: chr17-63534419-C-A.
Other names: c.1102G>T, p.Ala368Ser (NM_001363813.1); short protein forms A368S.
Identifiers: ClinVar variation 2998670 (VCV002998670.4), dbSNP rs772636882, ClinGen allele CA400678469.